The following is an entry in ClinVar:

ClinVar aggregate classification (germline): Likely pathogenic (0 of 4 stars; one submission).

Conditions:
PCNT-related disorder. Also called: PCNT-related condition.

Submission:

PreventionGenetics, part of Exact Sciences
Classification: Likely pathogenic for PCNT-related condition. Last evaluated: 2024-03-11. Review status: no assertion criteria provided. Collection method: clinical testing. Allele origin: germline.
Comment: The PCNT c.180_198del19 variant is predicted to result in a frameshift and premature protein termination (p.Asp60Glufs*187). To our knowledge, this variant has not been reported in the literature. This variant is reported in 0.0029% of alleles in individuals of Latino descent in gnomAD. Frameshift variants in PCNT are expected to be pathogenic. This variant is interpreted as likely pathogenic.

NM_006031.6(PCNT):c.180_198del (p.Asp60fs)

Gene: PCNT (pericentrin; plus strand). Cytogenetic location: 21q22.3.
Variant type: Deletion.
Coding change: c.180_198del on transcript NM_006031.6 (MANE Select); coding-DNA positions 180 to 198, 19 bases deleted (CAGCGCACTCTGTGGAGGA).
Protein change: p.Asp60fs; shifts the reading frame from aspartic acid 60.
Molecular consequence: frameshift variant. On other transcripts: 5 prime UTR variant (1).
Genome position (GRCh38, 1-based): chr21:46,326,502-46,326,520, CAGCGCACTCTGTGGAGGA deleted; deleting any 19 consecutive bases within chr21:46,326,496-46,326,520 gives the same sequence; the c. name uses the placement nearest the transcript's 3' end. VCF-style (leftmost placement, unchanged base first): chr21-46326495-AGGAGGACAGCGCACTCTGT-A. GRCh37 (hg19) VCF-style: chr21-47746409-AGGAGGACAGCGCACTCTGT-A.
Other names: c.-175_-157del (NM_001315529.2); short protein forms D60fs.
Identifiers: ClinVar variation 3357007 (VCV003357007.1).